The following is an entry in ClinVar:

ClinVar aggregate classification (germline): Uncertain significance (1 of 4 stars; one submission).

Conditions:
Neuromuscular disease caused by qualitative or quantitative defects of dysferlin. Also called: Dysferlinopathy; Qualitative or quantitative defects of dysferlin. Identifiers: Orphanet 207073, MedGen C2931687, MONDO:0016145.

gnomAD v4.1: 1 of 1,614,138 alleles (0.000062%); highest among the groups gnomAD compares: Non-Finnish European, 0.000085%; no homozygotes.

Submission:

Labcorp Genetics (formerly Invitae), Labcorp
Classification: Uncertain significance for Neuromuscular disease caused by qualitative or quantitative defects of dysferlin. Last evaluated: 2021-10-23. Review status: criteria provided, single submitter. Criteria: Invitae Variant Classification Sherloc (09022015). Collection method: clinical testing. Allele origin: germline.
Comment: This variant is not present in population databases (ExAC no frequency). This sequence change replaces valine with alanine at codon 1612 of the DYSF protein (p.Val1612Ala). The valine residue is moderately conserved and there is a small physicochemical difference between valine and alanine. This variant has not been reported in the literature in individuals affected with DYSF-related conditions. Advanced modeling of protein sequence and biophysical properties (such as structural, functional, and spatial information, amino acid conservation, physicochemical variation, residue mobility, and thermodynamic stability) performed at Invitae indicates that this missense variant is not expected to disrupt DYSF protein function. In summary, the available evidence is currently insufficient to determine the role of this variant in disease. Therefore, it has been classified as a Variant of Uncertain Significance.

NM_001130987.2(DYSF):c.4952T>C (p.Val1651Ala)

Gene: DYSF (dysferlin; plus strand). Cytogenetic location: 2p13.2.
Variant type: single nucleotide variant.
Coding change: c.4952T>C on transcript NM_001130987.2 (MANE Select); coding-DNA position 4952, T replaced by C.
Protein change: p.Val1651Ala; replaces valine 1651 with alanine.
Molecular consequence: missense variant.
Genome position (GRCh38, 1-based): chr2:71,660,600, T>C. VCF-style: chr2-71660600-T-C. GRCh37 (hg19) VCF-style: chr2-71887730-T-C.
Other names: c.4838T>C, p.Val1613Ala (NM_001130455.2); c.4793T>C, p.Val1598Ala (NM_001130976.2); c.4856T>C, p.Val1619Ala (NM_001130977.2); c.4898T>C, p.Val1633Ala (NM_001130978.2); c.4928T>C, p.Val1643Ala (NM_001130979.2); c.4886T>C, p.Val1629Ala (NM_001130980.2); c.4949T>C, p.Val1650Ala (NM_001130981.2); c.4931T>C, p.Val1644Ala (NM_001130982.2); and 5 more; short protein forms V1598A, V1619A, V1620A, V1643A, V1644A, V1651A, V1599A, V1613A.
Identifiers: ClinVar variation 1483856 (VCV001483856.6), dbSNP rs2152943225, ClinGen allele CA347220020.
Genomic context (GRCh38, chr2:71,660,600, plus strand): 5'-TGTTTTGTCTCCTCCTCCAGTGTGATCCTTACATCAAGATCTCCATAGGGAAGAAATCAG[T>C]GAGTGACCAGGATAACTACATCCCCTGCACGCTGGAGCCCGTATTTGGAAAGTAAATTGG-3'
Protein context (NP_001124459.1, residues 1641-1661): YIKISIGKKS[Val1651Ala]SDQDNYIPCT